The following is an entry in ClinVar:

ClinVar aggregate classification (germline): Uncertain significance. Review status: reviewed by expert panel (3 of 4 stars). 5 submissions from 5 submitters: Uncertain significance (1). 4 of the submissions do not count toward it. Last evaluated 2026-11-19.

Conditions:
Hereditary breast ovarian cancer syndrome. Also called: Hereditary breast and ovarian cancer syndrome; Breast and ovarian cancer; BRCA1- and BRCA2-Associated Hereditary Breast and Ovarian Cancer; Hereditary breast and ovarian cancer; Hereditary breast and ovarian cancer syndrome (HBOC); Hereditary breast and/or ovarian cancer syndrome. Identifiers: Orphanet 145, MedGen C0677776, MeSH D061325, MONDO:0003582. Disease mechanism: loss of function.
Breast-ovarian cancer, familial, susceptibility to, 1 (BROVCA1). Also called: OVARIAN CANCER, SUSCEPTIBILITY TO; BRCA1 Hereditary Breast and Ovarian Cancer. Identifiers: Orphanet 145, MedGen C2676676, MONDO:0011450, OMIM 604370. Disease mechanism: loss of function.
BRCA1-related cancer predisposition. Identifiers: MedGen CN377757, MONDO:0700268.

Submissions (5):

ClinGen ENIGMA BRCA1 and BRCA2 Variant Curation Expert Panel, ClinGen
Classification: Uncertain significance for BRCA1-related cancer predisposition. Last evaluated: 2026-11-19. Review status: reviewed by expert panel. Criteria: CSpec BRCA1/2ACMG Rules Specifications V1.2. Collection method: curation. Allele origin: germline. Inheritance: Autosomal dominant inheritance.
Comment: The c.668del variant in BRCA1 is a deletion of a single nucleotide, predicted to encode a frameshift with consequent premature termination of the protein at codon 11 of the frameshift, or amino acid 233 (p.(Lys223ArgfsTer11)). Legacy exon numbering is shown in parentheses. This variant is recorded in gnomAD v4.1, however the Total GrpMax filtering allele frequency (the lower threshold of the 95% CI) was not calculated, therefore this variant does not meet any population code (BA1, BS1, BS1_Supporting, PM2_Supporting are not met). Frameshift variant in exon 9(10) predicted to cause a premature stop codon in exon 10(11). Exon 9(10) is absent from biologically relevant transcript. This isoform, the in-frame Δ8,9 (Δ9,10), can functionally rescue BRCA1 function at normal levels seen in controls (PMID:24569164 and 27008870) (PVS1_N/A). The ENIGMA BRCA1/2 VCEP considered multiple lines of functional and clinical evidence to define exon-specific weights for PTC in BRCA1; there was insufficient evidence available to assess weight for a PTC variant in BRCA1 Exon 9(10) at the time of PM5 calibration analysis (PM5_N/A (PTC)). In summary, this variant did not meet any criteria and is classified as a Variant of uncertain significance for BRCA1-related cancer predisposition based on the ACMG/AMP criteria applied as specified by the ENIGMA BRCA1/2 VCEP (v1.2).

Labcorp Genetics (formerly Invitae), Labcorp
Classification: Uncertain significance for Hereditary breast ovarian cancer syndrome. Last evaluated: 2023-08-16. Review status: criteria provided, single submitter. Criteria: Invitae Variant Classification Sherloc (09022015). Collection method: clinical testing. Allele origin: germline. Not counted in ClinVar's aggregate classification.
Comment: ClinVar contains an entry for this variant (Variation ID: 55659). This variant has not been reported in the literature in individuals affected with BRCA1-related conditions. This variant is not present in population databases (gnomAD no frequency). This sequence change creates a premature translational stop signal (p.Lys223Argfs*11) in the BRCA1 gene. Loss-of-function variants in BRCA1 are expected to be pathogenic (PMID: 20104584). However, an in-frame BRCA1 isoform lacking exons 8 and 9 (also known as exons 9 and 10) is highly expressed in blood from unaffected individuals and in normal breast tissue; this isoform may retain protein function and could functionally rescue loss-of-function variants within exons 8-9 (PMID: 24569164). In summary, the available evidence is currently insufficient to determine the role of this variant in disease. Therefore, it has been classified as a Variant of Uncertain Significance.

Baylor Genetics
Classification: Pathogenic for Breast-ovarian cancer, familial, susceptibility to, 1. Last evaluated: 2022-08-26. Review status: criteria provided, single submitter. Criteria: ACMG Guidelines, 2015. Collection method: clinical testing. Allele origin: unknown. Not counted in ClinVar's aggregate classification.

Consortium of Investigators of Modifiers of BRCA1/2 (CIMBA), c/o University of Cambridge
Classification: Pathogenic for Breast-ovarian cancer, familial, susceptibility to, 1. Last evaluated: 2015-10-02. Review status: criteria provided, single submitter. Criteria: CIMBA Mutation Classification guidelines May 2016. Collection method: clinical testing. Allele origin: germline. Not counted in ClinVar's aggregate classification.

Breast Cancer Information Core (BIC) (BRCA1)
Classification: Pathogenic for Breast-ovarian cancer, familial 1. Last evaluated: 1999-04-06. Review status: no assertion criteria provided. Collection method: clinical testing. Allele origin: germline. Affected: yes. Observed: 2 variant alleles. Not counted in ClinVar's aggregate classification.

Literature cited by the submitters: PubMed 20104584 (cited by Labcorp Genetics (formerly Invitae), Labcorp); PubMed 24569164 (cited by Labcorp Genetics (formerly Invitae), Labcorp).

NM_007294.4(BRCA1):c.668del (p.Lys223fs)

Gene: BRCA1 (BRCA1 DNA repair associated; minus strand). Cytogenetic location: 17q21.31.
Variant type: Deletion.
Coding change: c.668del on transcript NM_007294.4 (MANE Select); coding-DNA position 668, one base deleted (A; older notation c.668delA).
Protein change: p.Lys223fs; shifts the reading frame from lysine 223.
Molecular consequence: frameshift variant. On other transcripts: non-coding transcript variant (1).
Genome position (GRCh38, 1-based): chr17:43,095,848, T deleted on the plus strand (A on the coding strand, the reverse complement: BRCA1 is on the minus strand); the first of 6 consecutive T bases (chr17:43,095,848-43,095,853); deleting any one gives the same sequence. VCF-style (leftmost placement, unchanged base first): chr17-43095847-CT-C. GRCh37 (hg19) VCF-style: chr17-41247864-CT-C.
Other names: 787delA; NM_007294.4(BRCA1):c.668del; p.Lys223fs; c.668delA (NM_007294.3); c.453delA, p.Lys153Argfs (NM_001408513.1, NM_001408514.1, NM_001407879.1 and 27 more transcripts); c.450delA, p.Lys152Argfs (NM_001407571.1, NM_001407853.1, NM_001407894.1 and 12 more transcripts); c.663delA, p.Lys223Argfs (NM_001407581.1, NM_007298.4, NM_001407582.1 and 57 more transcripts); c.527del, p.Lys176fs (NM_007297.4); and 10 more; short protein forms K176fs, K223fs.
Identifiers: ClinVar variation 55659 (VCV000055659.12), dbSNP rs80357537, ClinGen allele CA003789.